The following is an entry in ClinVar:

NM_001089.3(ABCA3):c.1070C>T (p.Thr357Ile)

Gene: ABCA3 (ATP binding cassette subfamily A member 3; minus strand). Cytogenetic location: 16p13.3.
Variant type: single nucleotide variant.
Coding change: c.1070C>T on transcript NM_001089.3 (MANE Select); coding-DNA position 1070, C replaced by T.
Protein change: p.Thr357Ile; replaces threonine 357 with isoleucine.
Molecular consequence: missense variant.
Genome position (GRCh38, 1-based): chr16:2,317,324, G>A on the plus strand (C>T on the coding strand, the complement: ABCA3 is on the minus strand). VCF-style: chr16-2317324-G-A. GRCh37 (hg19) VCF-style: chr16-2367325-G-A.
Other names: short protein forms T357I.
Identifiers: ClinVar variation 2564305 (VCV002564305.2), dbSNP rs2093717510, ClinGen allele CA394343034.

ClinVar aggregate classification (germline): Uncertain significance (1 of 4 stars; one submission).

Conditions:
Hereditary pulmonary alveolar proteinosis. Also called: Pulmonary surfactant metabolism dysfunction. Identifiers: Orphanet 264675, MedGen C3711368, MONDO:0012580.

Allele frequency attached by ClinVar (database versions not stated): TOPMed below 0.00001; gnomAD 0.00001.
gnomAD v4.1: 1 of 1,613,994 alleles (0.000062%); highest among the groups gnomAD compares: African/African-American, 0.0013%; no homozygotes.

Submission:

Ambry Genetics
Classification: Uncertain significance for Hereditary pulmonary alveolar proteinosis. Last evaluated: 2023-06-09. Review status: criteria provided, single submitter. Criteria: Ambry Variant Classification Scheme 2023. Collection method: clinical testing. Allele origin: germline.
Comment: The p.T357I variant (also known as c.1070C>T), located in coding exon 7 of the ABCA3 gene, results from a C to T substitution at nucleotide position 1070. The threonine at codon 357 is replaced by isoleucine, an amino acid with similar properties. This amino acid position is conserved. In addition, this alteration is predicted to be tolerated by in silico analysis. Since supporting evidence is limited at this time, the clinical significance of this alteration remains unclear.